The following is an entry in ClinVar:

ClinVar aggregate classification (germline): Likely benign (0 of 4 stars; one submission).

Conditions:
FAM50A-related disorder. Also called: FAM50A-related condition.

Allele frequency attached by ClinVar (database versions not stated): gnomAD 0.00002; TOPMed 0.00002; gnomAD exomes 0.00003; 1000 Genomes Project 30x 0.00042.
gnomAD v4.1: 38 of 1,209,140 alleles (0.0031%); highest among the groups gnomAD compares: South Asian, 0.0053%; no homozygotes.

Submission:

PreventionGenetics, part of Exact Sciences
Classification: Likely benign for FAM50A-related condition. Last evaluated: 2024-01-30. Review status: no assertion criteria provided. Collection method: clinical testing. Allele origin: germline.
Comment: This variant is classified as likely benign based on ACMG/AMP sequence variant interpretation guidelines (Richards et al. 2015 PMID: 25741868, with internal and published modifications).

NM_004699.4(FAM50A):c.829+9C>T

Gene: FAM50A (family with sequence similarity 50 member A; plus strand). Cytogenetic location: Xq28.
Variant type: single nucleotide variant.
Coding change: c.829+9C>T on transcript NM_004699.4 (MANE Select); 9 bases into the intron after coding-DNA position 829, C replaced by T.
Molecular consequence: intron variant.
Genome position (GRCh38, 1-based): chrX:154,449,940, C>T. VCF-style: chrX-154449940-C-T. GRCh37 (hg19) VCF-style: chrX-153678288-C-T.
Identifiers: ClinVar variation 3030492 (VCV003030492.2), dbSNP rs982732679, ClinGen allele CA337304976.
Genomic context (GRCh38, chrX:154,449,940, plus strand): 5'-CAGCATCACAGCTTCTACGACTTCATCGTCACCAAGGCACGGGGGAAGAGTGGTGAGTGC[C>T]GCCGACCCAGCCGCCCCCATAGCACCTTGCCGCCGATGTTGTCACTGGGGCAGCAGCGGG-3'